The following is an entry in ClinVar:

NM_001369.3(DNAH5):c.6579+3A>G

Gene: DNAH5 (dynein axonemal heavy chain 5; minus strand). Cytogenetic location: 5p15.2.
Variant type: single nucleotide variant.
Coding change: c.6579+3A>G on transcript NM_001369.3 (MANE Select); 3 bases into the intron after coding-DNA position 6579, A replaced by G.
Molecular consequence: intron variant.
Genome position (GRCh38, 1-based): chr5:13,824,196, T>C on the plus strand (A>G on the coding strand, the complement: DNAH5 is on the minus strand). VCF-style: chr5-13824196-T-C. GRCh37 (hg19) VCF-style: chr5-13824305-T-C.
Identifiers: ClinVar variation 163143 (VCV000163143.4), dbSNP rs727502976, ClinGen allele CA175785.

ClinVar aggregate classification (germline): Uncertain significance (1 of 4 stars; one submission).

Allele frequency attached by ClinVar (database versions not stated): gnomAD 0.00001; gnomAD exomes 0.00001; TOPMed 0.00001.
gnomAD v4.1: 15 of 1,613,898 alleles (0.00093%); highest among the groups gnomAD compares: Non-Finnish European, 0.0013%; no homozygotes.

Submission:

Laboratory for Molecular Medicine, Mass General Brigham Personalized Medicine
Classification: Uncertain significance. Last evaluated: 2013-10-11. Review status: criteria provided, single submitter. Criteria: LMM Criteria. Collection method: clinical testing. Allele origin: germline. Observed: 1 variant allele.
Comment: The c.6579+3A>G in DNAH5: This variant has not been previously reported by our l aboratory or in large population studies. This variant occurs in the splice cons ensus sequence outside of the invariant region (+/- 1,2) . Computational tools d o not predict and impact on splicing. However, the accuracy of these tools is un known and therefore, additional evidence is needed to determine the clinical sig nificance of this variant.